The following is an entry in ClinVar:

NM_000334.4(SCN4A):c.3720+10A>G

Genes: GH-LCR (growth hormone locus control region; plus strand), SCN4A (sodium voltage-gated channel alpha subunit 4; minus strand). Cytogenetic location: 17q23.3.
Variant type: single nucleotide variant.
Coding change: c.3720+10A>G on transcript NM_000334.4 (MANE Select); 10 bases into the intron after coding-DNA position 3720, A replaced by G.
Molecular consequence: intron variant.
Genome position (GRCh38, 1-based): chr17:63,945,350, T>C on the plus strand (A>G on the coding strand, the complement: SCN4A is on the minus strand). VCF-style: chr17-63945350-T-C. GRCh37 (hg19) VCF-style: chr17-62022710-T-C.
Other names: p.?.
Identifiers: ClinVar variation 255849 (VCV000255849.24), dbSNP rs111679484, ClinGen allele CA8709203.

ClinVar aggregate classification (germline): Benign/Likely benign. Review status: criteria provided, multiple submitters, no conflicts (2 of 4 stars). 14 submissions from 10 submitters: Benign (10); Likely benign (1). 3 of the submissions do not count toward it. Last evaluated 2026-02-02.

Conditions:
Hypokalemic periodic paralysis, type 2 (HOKPP2). Identifiers: Orphanet 681, MedGen C2750061, MONDO:0013234, OMIM 613345.
Potassium-aggravated myotonia. Also called: SODIUM CHANNEL MUSCLE DISEASE; MYOTONIA CONGENITA, ACETAZOLAMIDE-RESPONSIVE; MYOTONIA CONGENITA, ATYPICAL; Myotonia congenita, atypical, acetazolamide-responsive. Identifiers: Orphanet 612, Orphanet 99734, Orphanet 99735, Orphanet 99736, MedGen C2931826, MONDO:0018959, OMIM 608390.
Congenital myasthenic syndrome 16. Identifiers: Orphanet 590, MedGen C3280112, MONDO:0013620, OMIM 614198.
Paramyotonia congenita of Von Eulenburg. Also called: Paramyotonia Congenita; Eulenburg disease; Myotonia congenita intermittens; Von Eulenburg paramyotonia congenita; PARALYSIS PERIODICA PARAMYOTONICA. Identifiers: Orphanet 684, MedGen C0221055, MONDO:0008195, OMIM 168300. Disease mechanism: loss of function.
Hyperkalemic periodic paralysis. Also called: Familial hyperkalemic periodic paralysis; Gamstorp disease. Identifiers: Orphanet 682, MedGen C0238357, MONDO:0008224, OMIM 170500, HP:0007215.

Allele frequency attached by ClinVar (database versions not stated): TOPMed 0.01490; gnomAD 0.02281 and 0.02194; ExAC 0.02381; 1000 Genomes Project 30x 0.00750; gnomAD exomes 0.02246; 1000 Genomes Project 0.00759; ESP Exome Variant Server 0.01599.

Submissions (14):

Labcorp Genetics (formerly Invitae), Labcorp
Classification: Benign for Hyperkalemic periodic paralysis. Last evaluated: 2026-02-02. Review status: criteria provided, single submitter. Criteria: Invitae Variant Classification Sherloc (09022015). Collection method: clinical testing. Allele origin: germline.

Athena Diagnostics
Classification: Benign. Last evaluated: 2025-10-17. Review status: criteria provided, single submitter. Criteria: Athena Diagnostics Criteria. Collection method: clinical testing. Allele origin: unknown.
Comment: The frequency of this variant in the general population is higher than would generally be expected for pathogenic variants in this gene.

Blueprint Genetics
Classification: Likely benign. Last evaluated: 2024-11-28. Review status: criteria provided, single submitter. Criteria: ACMG Guidelines, 2015. Collection method: clinical testing. Allele origin: germline.

Mayo Clinic Laboratories, Mayo Clinic
Classification: Benign. Last evaluated: 2019-08-06. Review status: criteria provided, single submitter. Criteria: ACMG Guidelines, 2015. Collection method: clinical testing. Allele origin: germline. Observed: 39 variant alleles.

Illumina Laboratory Services, Illumina
Classification: Benign for Paramyotonia congenita of Von Eulenburg. Last evaluated: 2018-01-13. Review status: criteria provided, single submitter. Criteria: ICSL Variant Classification Criteria 13 December 2019. Collection method: clinical testing. Allele origin: germline.
Comment: This variant was observed in the ICSL laboratory as part of a predisposition screen in an ostensibly healthy population. It had not been previously curated by ICSL or reported in the Human Gene Mutation Database (HGMD: prior to June 1st, 2018), and was therefore a candidate for classification through an automated scoring system. Utilizing variant allele frequency, disease prevalence and penetrance estimates, and inheritance mode, an automated score was calculated to assess if this variant is too frequent to cause the disease. Based on the score and internal cut-off values, a variant classified as benign is not then subjected to further curation. The score for this variant resulted in a classification of benign for this disease.

Illumina Laboratory Services, Illumina
Classification: Benign for Hyperkalemic periodic paralysis. Last evaluated: 2018-01-13. Review status: criteria provided, single submitter. Criteria: ICSL Variant Classification Criteria 13 December 2019. Collection method: clinical testing. Allele origin: germline.
Comment: the same text as in the submission from Illumina Laboratory Services, Illumina above.

Illumina Laboratory Services, Illumina
Classification: Benign for Potassium-aggravated myotonia. Last evaluated: 2018-01-13. Review status: criteria provided, single submitter. Criteria: ICSL Variant Classification Criteria 13 December 2019. Collection method: clinical testing. Allele origin: germline.
Comment: the same text as in the submission from Illumina Laboratory Services, Illumina above.

Illumina Laboratory Services, Illumina
Classification: Benign for Hypokalemic periodic paralysis, type 2. Last evaluated: 2018-01-13. Review status: criteria provided, single submitter. Criteria: ICSL Variant Classification Criteria 13 December 2019. Collection method: clinical testing. Allele origin: germline.
Comment: the same text as in the submission from Illumina Laboratory Services, Illumina above.

Illumina Laboratory Services, Illumina
Classification: Benign for Congenital myasthenic syndrome 16. Last evaluated: 2018-01-13. Review status: criteria provided, single submitter. Criteria: ICSL Variant Classification Criteria 13 December 2019. Collection method: clinical testing. Allele origin: germline.
Comment: the same text as in the submission from Illumina Laboratory Services, Illumina above.

GeneDx
Classification: Benign. Last evaluated: 2016-02-15. Review status: criteria provided, single submitter. Criteria: GeneDx Variant Classification (06012015). Collection method: clinical testing. Allele origin: germline. Affected: yes.
Comment: This variant is considered likely benign or benign based on one or more of the following criteria: it is a conservative change, it occurs at a poorly conserved position in the protein, it is predicted to be benign by multiple in silico algorithms, and/or has population frequency not consistent with disease.

PreventionGenetics, part of Exact Sciences
Classification: Benign. Review status: criteria provided, single submitter. Criteria: ACMG Guidelines, 2015. Collection method: clinical testing. Allele origin: germline.

Genome Diagnostics Laboratory, University Medical Center Utrecht
Classification: Likely benign. Review status: no assertion criteria provided. Collection method: clinical testing. Allele origin: germline. Affected: yes. Study: VKGL Data-share Consensus. Not counted in ClinVar's aggregate classification.

Joint Genome Diagnostic Labs from Nijmegen and Maastricht, Radboudumc and MUMC+
Classification: Benign. Review status: no assertion criteria provided. Collection method: clinical testing. Allele origin: germline. Affected: yes. Study: VKGL Data-share Consensus. Not counted in ClinVar's aggregate classification.

Laboratory of Diagnostic Genome Analysis, Leiden University Medical Center (LUMC)
Classification: Likely benign. Review status: no assertion criteria provided. Collection method: clinical testing. Allele origin: germline. Affected: yes. Study: VKGL Data-share Consensus. Not counted in ClinVar's aggregate classification.